The following is an entry in ClinVar:

ClinVar aggregate classification (germline): Uncertain significance. Review status: criteria provided, single submitter (1 of 4 stars). 2 submissions from 2 submitters: Uncertain significance (1). 1 of the submissions does not count toward it. Last evaluated 2021-09-02.

Conditions:
Usher syndrome type 2A. Also called: RETINAL DISEASE IN USHER SYNDROME TYPE IIA, MODIFIER OF; USHER SYNDROME, TYPE IIA. Identifiers: Orphanet 231178, Orphanet 886, MedGen C1848634, MONDO:0010169, OMIM 276901.

Allele frequency attached by ClinVar (database versions not stated): gnomAD exomes 0.00001.
gnomAD v4.1: 12 of 1,614,132 alleles (0.00074%); highest among the groups gnomAD compares: South Asian, 0.0022%; 1 homozygote.

Submissions (2):

Labcorp Genetics (formerly Invitae), Labcorp
Classification: Uncertain significance. Last evaluated: 2021-09-02. Review status: criteria provided, single submitter. Criteria: Invitae Variant Classification Sherloc (09022015). Collection method: clinical testing. Allele origin: germline.
Comment: This sequence change replaces glycine with glutamic acid at codon 4483 of the USH2A protein (p.Gly4483Glu). The glycine residue is highly conserved and there is a moderate physicochemical difference between glycine and glutamic acid. This variant is not present in population databases (ExAC no frequency). This variant has not been reported in the literature in individuals affected with USH2A-related conditions. ClinVar contains an entry for this variant (Variation ID: 837067). Algorithms developed to predict the effect of missense changes on protein structure and function are either unavailable or do not agree on the potential impact of this missense change (SIFT: "Deleterious"; PolyPhen-2: "Probably Damaging"; Align-GVGD: "Class C0"). In summary, the available evidence is currently insufficient to determine the role of this variant in disease. Therefore, it has been classified as a Variant of Uncertain Significance.

Natera, Inc.
Classification: Uncertain significance for Usher syndrome type 2A. Last evaluated: 2025-04-20. Review status: no assertion criteria provided. Collection method: clinical testing. Allele origin: germline. Not counted in ClinVar's aggregate classification.

NM_206933.4(USH2A):c.13448G>A (p.Gly4483Glu)

Gene: USH2A (usherin; minus strand). Cytogenetic location: 1q41.
Variant type: single nucleotide variant.
Coding change: c.13448G>A on transcript NM_206933.4 (MANE Select); coding-DNA position 13448, G replaced by A.
Protein change: p.Gly4483Glu; replaces glycine 4483 with glutamic acid.
Molecular consequence: missense variant.
Genome position (GRCh38, 1-based): chr1:215,674,463, C>T on the plus strand (G>A on the coding strand, the complement: USH2A is on the minus strand). VCF-style: chr1-215674463-C-T. GRCh37 (hg19) VCF-style: chr1-215847805-C-T.
Other names: short protein forms G4483E.
Identifiers: ClinVar variation 837067 (VCV000837067.8), dbSNP rs909121671, ClinGen allele CA37412426.